The following is an entry in ClinVar:

NM_001270974.2(HYDIN):c.6831G>A (p.Glu2277=)

Gene: HYDIN (HYDIN axonemal central pair apparatus protein; minus strand). Cytogenetic location: 16q22.2.
Variant type: single nucleotide variant.
Coding change: c.6831G>A on transcript NM_001270974.2 (MANE Select); coding-DNA position 6831, G replaced by A.
Protein change: p.Glu2277=; no amino-acid change (glutamic acid 2277 retained).
Molecular consequence: synonymous variant.
Genome position (GRCh38, 1-based): chr16:70,941,658, C>T on the plus strand (G>A on the coding strand, the complement: HYDIN is on the minus strand). VCF-style: chr16-70941658-C-T. GRCh37 (hg19) VCF-style: chr16-70975561-C-T.
Identifiers: ClinVar variation 2646751 (VCV002646751.25), dbSNP rs200044904, ClinGen allele CA8150145.

ClinVar aggregate classification (germline): Likely benign. Review status: criteria provided, multiple submitters, no conflicts (2 of 4 stars). 2 submissions from 2 submitters: Likely benign (2). Last evaluated 2025-04-01.

Allele frequency attached by ClinVar (database versions not stated): ESP Exome Variant Server 0.00259; 1000 Genomes Project 30x 0.00281; ExAC 0.01011.

Submissions (2):

CeGaT Center for Human Genetics Tuebingen
Classification: Likely benign. Last evaluated: 2025-04-01. Review status: criteria provided, single submitter. Criteria: CeGaT Center For Human Genetics Tuebingen Variant Classification Criteria Version 2. Collection method: clinical testing. Allele origin: germline. Affected: yes. Observed: 5 variant alleles.
Comment: HYDIN: BP4

Blueprint Genetics
Classification: Likely benign. Last evaluated: 2024-11-26. Review status: criteria provided, single submitter. Criteria: ACMG Guidelines, 2015. Collection method: clinical testing. Allele origin: germline.